The following is an entry in ClinVar:

ClinVar aggregate classification (germline): Uncertain significance (1 of 4 stars; one submission).

Conditions:
Genitopatellar syndrome (GTPTS). Also called: ABSENT PATELLAE, SCROTAL HYPOPLASIA, RENAL ANOMALIES, FACIAL DYSMORPHISM, AND MENTAL RETARDATION; Genitopatellar syndrome (GPS). Identifiers: Orphanet 85201, MedGen C1853566, MONDO:0011640, OMIM 606170.

gnomAD v4.1: 28 of 1,614,206 alleles (0.0017%); highest among the groups gnomAD compares: East Asian, 0.0067%; no homozygotes.

Submission:

Labcorp Genetics (formerly Invitae), Labcorp
Classification: Uncertain significance for Genitopatellar syndrome. Last evaluated: 2024-02-18. Review status: criteria provided, single submitter. Criteria: Invitae Variant Classification Sherloc (09022015). Collection method: clinical testing. Allele origin: germline.
Comment: This sequence change replaces tyrosine, which is neutral and polar, with cysteine, which is neutral and slightly polar, at codon 1843 of the KAT6B protein (p.Tyr1843Cys). This variant is present in population databases (no rsID available, gnomAD 0.0009%). This variant has not been reported in the literature in individuals affected with KAT6B-related conditions. An algorithm developed to predict the effect of missense changes on protein structure and function (PolyPhen-2) suggests that this variant is likely to be disruptive. In summary, the available evidence is currently insufficient to determine the role of this variant in disease. Therefore, it has been classified as a Variant of Uncertain Significance.

NM_012330.4(KAT6B):c.5528A>G (p.Tyr1843Cys)

Gene: KAT6B (lysine acetyltransferase 6B; plus strand). Cytogenetic location: 10q22.2.
Variant type: single nucleotide variant.
Coding change: c.5528A>G on transcript NM_012330.4 (MANE Select); coding-DNA position 5528, A replaced by G.
Protein change: p.Tyr1843Cys; replaces tyrosine 1843 with cysteine.
Molecular consequence: missense variant.
Genome position (GRCh38, 1-based): chr10:75,030,352, A>G. VCF-style: chr10-75030352-A-G. GRCh37 (hg19) VCF-style: chr10-76790110-A-G.
Other names: c.4979A>G, p.Tyr1660Cys (NM_001256468.2, NM_001370138.1); c.4652A>G, p.Tyr1551Cys (NM_001256469.2, NM_001370139.1, NM_001370140.1 and 2 more transcripts); c.4490A>G, p.Tyr1497Cys (NM_001370132.1); c.3839A>G, p.Tyr1280Cys (NM_001370133.1); c.3443A>G, p.Tyr1148Cys (NM_001370134.1); c.3185A>G, p.Tyr1062Cys (NM_001370135.1); c.5528A>G, p.Tyr1843Cys (NM_001370136.1, NM_001370137.1); c.4463A>G, p.Tyr1488Cys (NM_001370143.1, NM_001370144.1); short protein forms Y1280C, Y1843C, Y1660C, Y1148C, Y1497C, Y1551C, Y1062C, Y1488C.
Identifiers: ClinVar variation 3667053 (VCV003667053.2).
Genomic context (GRCh38, chr10:75,030,352, plus strand): 5'-TAACTAATACACTTATTGATCATTCATTGCCTTACAGCCATTCCGCTGCTGTGACTTCCT[A>G]TGCAAACAGTGCCTCTTTGTCCACACCATTAAGTAACACAGGGCTTGTTCAACTTTCTCA-3'
Protein context (NP_036462.2, residues 1833-1853): PYSHSAAVTS[Tyr1843Cys]ANSASLSTPL